The following is an entry in ClinVar:

NM_001365536.1(SCN9A):c.1570G>C (p.Ala524Pro)

Genes: SCN1A-AS1 (SCN1A and SCN9A antisense RNA 1; plus strand), SCN9A (sodium voltage-gated channel alpha subunit 9; minus strand). Cytogenetic location: 2q24.3.
Variant type: single nucleotide variant.
Coding change: c.1570G>C on transcript NM_001365536.1 (MANE Select); coding-DNA position 1570, G replaced by C.
Protein change: p.Ala524Pro; replaces alanine 524 with proline.
Molecular consequence: missense variant.
Genome position (GRCh38, 1-based): chr2:166,286,368, C>G on the plus strand (G>C on the coding strand, the complement: SCN9A is on the minus strand). VCF-style: chr2-166286368-C-G. GRCh37 (hg19) VCF-style: chr2-167142878-C-G.
Other names: c.1570G>C, p.Ala524Pro (NM_002977.4); short protein forms A524P.
Identifiers: ClinVar variation 2126698 (VCV002126698.4), dbSNP rs1164206681, ClinGen allele CA349084298.

ClinVar aggregate classification (germline): Uncertain significance (1 of 4 stars; one submission).

Conditions:
Neuropathy, hereditary sensory and autonomic, type 2A (HSAN2A). Also called: WNK1-Related HSAN2 (HSAN2A); HSAN IIA; ACROOSTEOLYSIS, GIACCAI TYPE; ACROOSTEOLYSIS, NEUROGENIC; MORVAN DISEASE; NEUROPATHY, CONGENITAL SENSORY. Identifiers: Orphanet 970, MedGen C2752089, MONDO:0024309, OMIM 201300.
Generalized epilepsy with febrile seizures plus, type 7 (GEFSP7). Also called: GEFS+, TYPE 7. Identifiers: Orphanet 36387, MedGen C2751778, MONDO:0013470, OMIM 613863.

Submission:

Labcorp Genetics (formerly Invitae), Labcorp
Classification: Uncertain significance for Neuropathy, hereditary sensory and autonomic, type 2A; Generalized epilepsy with febrile seizures plus, type 7. Last evaluated: 2022-04-16. Review status: criteria provided, single submitter. Criteria: Invitae Variant Classification Sherloc (09022015). Collection method: clinical testing. Allele origin: germline.
Comment: In summary, the available evidence is currently insufficient to determine the role of this variant in disease. Therefore, it has been classified as a Variant of Uncertain Significance. Algorithms developed to predict the effect of missense changes on protein structure and function output the following: SIFT: "Deleterious"; PolyPhen-2: "Benign"; Align-GVGD: "Class C0". The proline amino acid residue is found in multiple mammalian species, which suggests that this missense change does not adversely affect protein function. This variant has not been reported in the literature in individuals affected with SCN9A-related conditions. This variant is not present in population databases (gnomAD no frequency). This sequence change replaces alanine, which is neutral and non-polar, with proline, which is neutral and non-polar, at codon 524 of the SCN9A protein (p.Ala524Pro).